The following is an entry in ClinVar:

NM_001369.3(DNAH5):c.885_888del (p.Lys296fs)

Gene: DNAH5 (dynein axonemal heavy chain 5; minus strand). Cytogenetic location: 5p15.2.
Variant type: Deletion.
Coding change: c.885_888del on transcript NM_001369.3 (MANE Select); coding-DNA positions 885 to 888, 4 bases deleted (CAAG; older notation c.885_888delCAAG).
Protein change: p.Lys296fs; shifts the reading frame from lysine 296.
Molecular consequence: frameshift variant.
Genome position (GRCh38, 1-based): chr5:13,919,263-13,919,266, CTTG deleted on the plus strand (CAAG on the coding strand, the reverse complement: DNAH5 is on the minus strand). VCF-style (leftmost placement, unchanged base first): chr5-13919262-ACTTG-A. GRCh37 (hg19) VCF-style: chr5-13919371-ACTTG-A.
Other names: short protein forms K296fs.
Identifiers: ClinVar variation 5016012 (VCV005016012.1).

ClinVar aggregate classification (germline): Pathogenic (1 of 4 stars; one submission).

Conditions:
Primary ciliary dyskinesia 3. Identifiers: Orphanet 244, MedGen C1837618, MONDO:0012085, OMIM 608644.

Submission:

Myriad Genetics, Inc.
Classification: Pathogenic for Primary ciliary dyskinesia 3. Last evaluated: 2026-06-09. Review status: criteria provided, single submitter. Criteria: Myriad Autosomal Dominant, Autosomal Recessive and X-Linked Classification Criteria (2023). Collection method: clinical testing. Allele origin: unknown.
Comment: NM_001369.2(DNAH5):c.885_888delCAAG(K296Lfs*8) is expected to be pathogenic in the context of primary ciliary dyskinesia, DNAH5-related. This variant is predicted to lead to an abnormal or absent protein product due to the creation of a premature termination codon in DNAH5, a gene where loss-of-function variants are known to be pathogenic. Please note: this variant was assessed in the context of healthy population screening.